The following is an entry in ClinVar:

NM_000548.5(TSC2):c.1636G>T (p.Glu546Ter)

Gene: TSC2 (TSC complex subunit 2; plus strand). Cytogenetic location: 16p13.3.
Variant type: single nucleotide variant.
Coding change: c.1636G>T on transcript NM_000548.5 (MANE Select); coding-DNA position 1636, G replaced by T.
Protein change: p.Glu546Ter; replaces glutamic acid 546 with a stop codon.
Molecular consequence: nonsense.
Genome position (GRCh38, 1-based): chr16:2,065,555, G>T. VCF-style: chr16-2065555-G-T. GRCh37 (hg19) VCF-style: chr16-2115556-G-T.
Other names: c.1525G>T, p.Glu509Ter (NM_001318827.2); c.1489G>T, p.Glu497Ter (NM_001318829.2); c.1036G>T, p.Glu346Ter (NM_001318831.2); c.1669G>T, p.Glu557Ter (NM_001318832.2); c.1636G>T, p.Glu546Ter (NM_001363528.2, NM_001370404.1, NM_001370405.1 and 3 more transcripts); short protein forms E346*, E557*, E497*, E509*, E546*.
Identifiers: ClinVar variation 842141 (VCV000842141.9), dbSNP rs2087230941, ClinGen allele CA394267832.

ClinVar aggregate classification (germline): Pathogenic (1 of 4 stars; one submission).

Conditions:
Tuberous sclerosis 2 (TSC2). Identifiers: Orphanet 805, MedGen C1860707, MONDO:0013199, OMIM 613254.

Submission:

Labcorp Genetics (formerly Invitae), Labcorp
Classification: Pathogenic for Tuberous sclerosis 2. Last evaluated: 2022-07-22. Review status: criteria provided, single submitter. Criteria: Invitae Variant Classification Sherloc (09022015). Collection method: clinical testing. Allele origin: germline.
Comment: This variant is not present in population databases (gnomAD no frequency). This premature translational stop signal has been observed in individual(s) with clinical features of TSC2-related conditions (PMID: 21520333). ClinVar contains an entry for this variant (Variation ID: 842141). Algorithms developed to predict the effect of sequence changes on RNA splicing suggest that this variant may create or strengthen a splice site. For these reasons, this variant has been classified as Pathogenic. This sequence change creates a premature translational stop signal (p.Glu546*) in the TSC2 gene. It is expected to result in an absent or disrupted protein product. Loss-of-function variants in TSC2 are known to be pathogenic (PMID: 10205261, 17304050).

Literature cited by the submitters: PubMed 21520333; PubMed 10205261; PubMed 17304050.